The following is an entry in ClinVar:

ClinVar aggregate classification (germline): Pathogenic/Likely pathogenic. Review status: criteria provided, multiple submitters, no conflicts (2 of 4 stars). 5 submissions from 5 submitters: Pathogenic (4); Likely pathogenic (1). Last evaluated 2024-02-16.

Conditions:
Morquio syndrome. Also called: Mucopolysaccharidosis, Type IV; MPS IV; Mucopolysaccharidosis type 4; Eccentrochondrodysplasia. Identifiers: Orphanet 582, MedGen C0026707, MONDO:0018938.
Mucopolysaccharidosis, MPS-IV-A (MPS4A). Also called: MPS IVA; Mucopolysaccharidosis Type IVA; Morquio syndrome A, mild; MORQUIO A DISEASE; mucopolysaccharidosis type 4A; Mucopolysaccharidosis type IV A. Identifiers: Orphanet 309297, Orphanet 582, MedGen C0086651, MONDO:0009659, OMIM 253000.

Allele frequency attached by ClinVar (database versions not stated): ExAC 0.00004; ESP Exome Variant Server 0.00008; gnomAD exomes 0.00001 and below 0.00001; gnomAD 0.00005; TOPMed 0.00002.
gnomAD v4.1: 14 of 1,560,386 alleles (0.0009%); highest among the groups gnomAD compares: Non-Finnish European, 0.001%; no homozygotes.

Submissions (5):

Labcorp Genetics (formerly Invitae), Labcorp
Classification: Pathogenic for Mucopolysaccharidosis, MPS-IV-A. Last evaluated: 2024-02-16. Review status: criteria provided, single submitter. Criteria: Invitae Variant Classification Sherloc (09022015). Collection method: clinical testing. Allele origin: germline.
Comment: This sequence change creates a premature translational stop signal (p.Trp520*) in the GALNS gene. While this is not anticipated to result in nonsense mediated decay, it is expected to disrupt the last 3 amino acid(s) of the GALNS protein. The frequency data for this variant in the population databases is considered unreliable, as metrics indicate poor data quality at this position in the gnomAD database. This premature translational stop signal has been observed in individual(s) with mucopolysaccharidosis type IVA (PMID: 24035930, 24726177). ClinVar contains an entry for this variant (Variation ID: 93171). This variant disrupts a region of the GALNS protein in which other variant(s) (p.Trp520Arg) have been determined to be pathogenic (PMID: 34472180). This suggests that this is a clinically significant region of the protein, and that variants that disrupt it are likely to be disease-causing. For these reasons, this variant has been classified as Pathogenic.

Women's Health and Genetics/Laboratory Corporation of America, LabCorp
Classification: Pathogenic for Morquio syndrome. Last evaluated: 2022-12-08. Review status: criteria provided, single submitter. Criteria: LabCorp Variant Classification Summary - May 2015. Collection method: clinical testing. Allele origin: germline.
Comment: Variant summary: GALNS c.1559G>A (p.Trp520X) results in a premature termination codon, predicted to cause a truncation of the encoded protein or absence of the protein due to nonsense mediated decay, which are commonly known mechanisms for disease. Truncations downstream of this position have been reported in HGMD in association wtih Mucopolysaccharidosis IVa. The variant allele was found at a frequency of 5.9e-06 in 170644 control chromosomes. c.1559G>A has been reported in the literature in individuals affected with Mucopolysaccharidosis Type IVA (Morquio Syndrome A) (e.g. Terzioglu_2002, Morrone_2014, Szklanny_2018, Jezela_Stankek_2019), and the same protein variant, p.W520X, has also been reported in individuals with Mucopolysaccharidosis Type IVA (Morquio Syndrome A) (e.g. He_2013). These data indicate that the variant may be associated with disease. To our knowledge, no experimental evidence demonstrating an impact on protein function has been reported. Two ClinVar submitters (evaluation after 2014) have classified, with one submitter classifying the variant as pathogenic and the other classifying the variant as likely pathogenic. Based on the evidence outlined above, the variant was classified as pathogenic.

Genome-Nilou Lab
Classification: Pathogenic for Mucopolysaccharidosis, MPS-IV-A. Last evaluated: 2021-11-07. Review status: criteria provided, single submitter. Criteria: ACMG Guidelines, 2015. Collection method: clinical testing. Allele origin: germline. Affected: no.

Laboratory of Diagnosis and Therapy of Lysosomal Disorders, University of Padova
Classification: Likely pathogenic for Mucopolysaccharidosis, MPS-IV-A. Last evaluated: 2021-02-01. Review status: criteria provided, single submitter. Criteria: ACMG Guidelines, 2015. Collection method: research. Allele origin: germline. Affected: yes.
Comment: Nonsense variant (PVS1_moderate); the prevalence of the variant in affected individuals is significantly increased compared with the prevalence in controls (PS4_strong); very low frequency in gnomAD v2.1.1 (PM2_moderate);

Eurofins Ntd Llc (ga)
Classification: Pathogenic. Last evaluated: 2012-12-14. Review status: criteria provided, single submitter. Criteria: EGL Classification Definitions. Collection method: clinical testing. Allele origin: germline. Observed: 1 variant allele, 1 heterozygote.

Literature cited by the submitters: PubMed 24035930 (cited by Labcorp Genetics (formerly Invitae), Labcorp and Women's Health and Genetics/Laboratory Corporation of America, LabCorp); PubMed 24726177 (cited by 3 submitters); PubMed 34472180 (cited by Labcorp Genetics (formerly Invitae), Labcorp); PubMed 30927141 (cited by Women's Health and Genetics/Laboratory Corporation of America, LabCorp and Laboratory of Diagnosis and Therapy of Lysosomal Disorders, University of Padova); PubMed 29275451 (cited by Women's Health and Genetics/Laboratory Corporation of America, LabCorp); PubMed 12442278 (cited by Women's Health and Genetics/Laboratory Corporation of America, LabCorp); PubMed 34387910 (cited by Laboratory of Diagnosis and Therapy of Lysosomal Disorders, University of Padova).

NM_000512.5(GALNS):c.1559G>A (p.Trp520Ter)

Gene: GALNS (galactosamine (N-acetyl)-6-sulfatase; minus strand). Cytogenetic location: 16q24.3.
Variant type: single nucleotide variant.
Coding change: c.1559G>A on transcript NM_000512.5 (MANE Select); coding-DNA position 1559, G replaced by A.
Protein change: p.Trp520Ter; replaces tryptophan 520 with a stop codon.
Molecular consequence: nonsense.
Genome position (GRCh38, 1-based): chr16:88,814,449, C>T on the plus strand (G>A on the coding strand, the complement: GALNS is on the minus strand). VCF-style: chr16-88814449-C-T. GRCh37 (hg19) VCF-style: chr16-88880857-C-T.
Other names: c.1004G>A, p.Trp335Ter (NM_001323543.2); c.1577G>A, p.Trp526Ter (NM_001323544.2); short protein forms W520*, W335*, W526*.
Identifiers: ClinVar variation 93171 (VCV000093171.17), dbSNP rs372893383, ClinGen allele CA221049.
Genomic context (GRCh38, chr16:88,814,449, plus strand): 5'-CTTGCAGGGCCAACCGGAGATTCTAGGCCTGGCCTGAGTCTGCGCAGGTGCTAGTGGGAC[C>T]AGAGGCACTTCTTGGGAATGGATTCTGGAGGTGTCAGACACTTCCCTAACTTTTCACAGC-3'